The following is an entry in ClinVar:

ClinVar aggregate classification (germline): Likely benign. Review status: criteria provided, multiple submitters, no conflicts (2 of 4 stars). 3 submissions from 3 submitters: Likely benign (2). 1 of the submissions does not count toward it. Last evaluated 2019-12-11.

Conditions:
MRE11-related disorder. Also called: MRE11-related condition.
Ataxia-telangiectasia-like disorder (ATLD). Identifiers: MedGen C1858391, MONDO:0011457.
Hereditary cancer-predisposing syndrome. Also called: Tumor predisposition; Hereditary neoplastic syndrome; Neoplastic Syndromes, Hereditary; Hereditary Cancer Syndrome. Identifiers: Orphanet 140162, MedGen C0027672, MeSH D009386, MONDO:0015356.

Allele frequency attached by ClinVar (database versions not stated): gnomAD exomes below 0.00001; TOPMed below 0.00001.
gnomAD v4.1: 2 of 1,613,992 alleles (0.00012%); highest among the groups gnomAD compares: Non-Finnish European, 0.00017%; no homozygotes.

Submissions (3):

Labcorp Genetics (formerly Invitae), Labcorp
Classification: Likely benign for Ataxia-telangiectasia-like disorder. Last evaluated: 2019-12-11. Review status: criteria provided, single submitter. Criteria: Invitae Variant Classification Sherloc (09022015). Collection method: clinical testing. Allele origin: germline.

Ambry Genetics
Classification: Likely benign for Hereditary cancer-predisposing syndrome. Last evaluated: 2018-01-19. Review status: criteria provided, single submitter. Criteria: Ambry Variant Classification Scheme 2023. Collection method: clinical testing. Allele origin: germline.

PreventionGenetics, part of Exact Sciences
Classification: Likely benign for MRE11-related condition. Last evaluated: 2022-06-10. Review status: no assertion criteria provided. Collection method: clinical testing. Allele origin: germline. Not counted in ClinVar's aggregate classification.
Comment: This variant is classified as likely benign based on ACMG/AMP sequence variant interpretation guidelines (Richards et al. 2015 PMID: 25741868, with internal and published modifications).

NM_005591.4(MRE11):c.1434G>A (p.Leu478=)

Gene: MRE11 (MRE11 double strand break repair nuclease; minus strand). Cytogenetic location: 11q21.
Variant type: single nucleotide variant.
Coding change: c.1434G>A on transcript NM_005591.4 (MANE Select); coding-DNA position 1434, G replaced by A.
Protein change: p.Leu478=; no amino-acid change (leucine 478 retained).
Molecular consequence: synonymous variant.
Genome position (GRCh38, 1-based): chr11:94,459,474, C>T on the plus strand (G>A on the coding strand, the complement: MRE11 is on the minus strand). VCF-style: chr11-94459474-C-T. GRCh37 (hg19) VCF-style: chr11-94192640-C-T.
Other names: c.1434G>A, p.Leu478= (NM_001330347.2, NM_005590.4).
Identifiers: ClinVar variation 819206 (VCV000819206.15), dbSNP rs1591672412, ClinGen allele CA476281869.